The following is an entry in ClinVar:

NM_004541.4(NDUFA1):c.169G>A (p.Val57Ile)

Gene: NDUFA1 (NADH:ubiquinone oxidoreductase subunit A1; plus strand). Cytogenetic location: Xq24.
Variant type: single nucleotide variant.
Coding change: c.169G>A on transcript NM_004541.4 (MANE Select); coding-DNA position 169, G replaced by A.
Protein change: p.Val57Ile; replaces valine 57 with isoleucine.
Molecular consequence: missense variant.
Genome position (GRCh38, 1-based): chrX:119,873,370, G>A. VCF-style: chrX-119873370-G-A. GRCh37 (hg19) VCF-style: chrX-119007333-G-A.
Other names: short protein forms V57I.
Identifiers: ClinVar variation 1310377 (VCV001310377.3), dbSNP rs756922178, ClinGen allele CA10503556.

ClinVar aggregate classification (germline): Uncertain significance (1 of 4 stars; one submission).

Allele frequency attached by ClinVar (database versions not stated): ExAC 0.00001; gnomAD exomes 0.00001; gnomAD 0.00005; TOPMed 0.00005.
gnomAD v4.1: 9 of 1,208,176 alleles (0.00074%); highest among the groups gnomAD compares: African/African-American, 0.016%; no homozygotes.

Submission:

GeneDx
Classification: Uncertain significance. Last evaluated: 2025-09-25. Review status: criteria provided, single submitter. Criteria: GeneDx Variant Classification Process June 2021. Collection method: clinical testing. Allele origin: germline. Affected: yes.
Comment: In silico analysis suggests that this missense variant does not alter protein structure/function; Has not been previously published as pathogenic or benign to our knowledge